The following is an entry in ClinVar:

ClinVar aggregate classification (germline): Benign/Likely benign. Review status: criteria provided, multiple submitters, no conflicts (2 of 4 stars). 5 submissions from 4 submitters: Benign (4); Likely benign (1). Last evaluated 2025-07-30.

Conditions:
Baraitser-winter syndrome 2. Identifiers: Orphanet 2995, MedGen C3281235, MONDO:0013812, OMIM 614583.
Autosomal dominant nonsyndromic hearing loss 20. Identifiers: Orphanet 90635, MedGen C1858172, MONDO:0011480, OMIM 604717.

Allele frequency attached by ClinVar (database versions not stated): 1000 Genomes Project 30x 0.00016; TOPMed 0.00021.
gnomAD v4.1: 73 of 1,613,960 alleles (0.0045%); highest among the groups gnomAD compares: East Asian, 0.16%; 1 homozygote.

Submissions (5):

Labcorp Genetics (formerly Invitae), Labcorp
Classification: Benign for Baraitser-winter syndrome 2; Autosomal dominant nonsyndromic hearing loss 20. Last evaluated: 2025-07-30. Review status: criteria provided, single submitter. Criteria: Invitae Variant Classification Sherloc (09022015). Collection method: clinical testing. Allele origin: germline.

Blueprint Genetics
Classification: Likely benign. Last evaluated: 2023-03-31. Review status: criteria provided, single submitter. Criteria: ACMG Guidelines, 2015. Collection method: clinical testing. Allele origin: germline.

Genome-Nilou Lab
Classification: Benign for Baraitser-winter syndrome 2. Last evaluated: 2021-12-05. Review status: criteria provided, single submitter. Criteria: ACMG Guidelines, 2015. Collection method: clinical testing. Allele origin: germline. Affected: no.

Genome-Nilou Lab
Classification: Benign for Autosomal dominant nonsyndromic hearing loss 20. Last evaluated: 2021-12-05. Review status: criteria provided, single submitter. Criteria: ACMG Guidelines, 2015. Collection method: clinical testing. Allele origin: germline. Affected: no.

GeneDx
Classification: Benign. Last evaluated: 2018-06-04. Review status: criteria provided, single submitter. Criteria: GeneDx Variant Classification (06012015). Collection method: clinical testing. Allele origin: germline. Affected: yes.
Comment: This variant is considered likely benign or benign based on one or more of the following criteria: it is a conservative change, it occurs at a poorly conserved position in the protein, it is predicted to be benign by multiple in silico algorithms, and/or has population frequency not consistent with disease.

NM_001614.5(ACTG1):c.15C>A (p.Ile5=)

Gene: ACTG1 (actin gamma 1; minus strand). Cytogenetic location: 17q25.3.
Variant type: single nucleotide variant.
Coding change: c.15C>A on transcript NM_001614.5 (MANE Select); coding-DNA position 15, C replaced by A.
Protein change: p.Ile5=; no amino-acid change (isoleucine 5 retained).
Molecular consequence: synonymous variant. On other transcripts: non-coding transcript variant (1).
Genome position (GRCh38, 1-based): chr17:81,512,340, G>T on the plus strand (C>A on the coding strand, the complement: ACTG1 is on the minus strand). VCF-style: chr17-81512340-G-T. GRCh37 (hg19) VCF-style: chr17-79479366-G-T.
Other names: c.15C>A, p.Ile5= (NM_001199954.3).
Identifiers: ClinVar variation 561846 (VCV000561846.11), dbSNP rs199657153, ClinGen allele CA8836420.